The following is an entry in ClinVar:

Conditions:
Long QT syndrome 5 (LQT5). Identifiers: Orphanet 101016, Orphanet 768, MedGen C1867904, MONDO:0013372, OMIM 613695.

Submission:

Roden Lab, Vanderbilt University Medical Center
No classification provided (evidence only). Condition: Long QT syndrome 5. Review status: no classification provided. Collection method: in vitro. Allele origin: not applicable. Functional consequence: Effect on ion channel function.
ClinVar note: "not provided" was previously submitted as the classification for the variant. However, the classification appeared to be based only on an observation of functional data so it was converted to no classification on 2025-07-30.

NM_000219.6(KCNE1):c.211C>T (p.Leu71=)

Gene: KCNE1 (potassium voltage-gated channel subfamily E regulatory subunit 1; minus strand). Cytogenetic location: 21q22.12.
Variant type: single nucleotide variant.
Coding change: c.211C>T on transcript NM_000219.6 (MANE Select); coding-DNA position 211, C replaced by T.
Protein change: p.Leu71=; no amino-acid change (leucine 71 retained).
Molecular consequence: synonymous variant.
Genome position (GRCh38, 1-based): chr21:34,449,424, G>A on the plus strand (C>T on the coding strand, the complement: KCNE1 is on the minus strand). VCF-style: chr21-34449424-G-A. GRCh37 (hg19) VCF-style: chr21-35821722-G-A.
Other names: c.211C>T, p.Leu71= (NM_001127668.4, NM_001127669.4, NM_001127670.4 and 4 more transcripts).
Identifiers: ClinVar variation 3374338 (VCV003374338.2).